The following is an entry in ClinVar:

ClinVar aggregate classification (germline): Uncertain significance (1 of 4 stars; one submission).

Allele frequency attached by ClinVar (database versions not stated): gnomAD exomes below 0.00001; TOPMed below 0.00001; gnomAD 0.00001.
gnomAD v4.1: 5 of 1,207,812 alleles (0.00041%); highest among the groups gnomAD compares: Admixed American, 0.0044%; no homozygotes.

Submission:

Labcorp Genetics (formerly Invitae), Labcorp
Classification: Uncertain significance. Last evaluated: 2022-11-10. Review status: criteria provided, single submitter. Criteria: Invitae Variant Classification Sherloc (09022015). Collection method: clinical testing. Allele origin: germline.
Comment: In summary, the available evidence is currently insufficient to determine the role of this variant in disease. Therefore, it has been classified as a Variant of Uncertain Significance. Algorithms developed to predict the effect of sequence changes on RNA splicing suggest that this variant may create or strengthen a splice site. This variant has not been reported in the literature in individuals affected with CFP-related conditions. The frequency data for this variant in the population databases is considered unreliable, as metrics indicate poor data quality at this position in the gnomAD database. This sequence change falls in intron 4 of the CFP gene. It does not directly change the encoded amino acid sequence of the CFP protein.

NM_001145252.3(CFP):c.403+20C>T

Gene: CFP (complement factor properdin; minus strand). Cytogenetic location: Xp11.23.
Variant type: single nucleotide variant.
Coding change: c.403+20C>T on transcript NM_001145252.3 (MANE Select); 20 bases into the intron after coding-DNA position 403, C replaced by T.
Molecular consequence: intron variant.
Genome position (GRCh38, 1-based): chrX:47,628,082, G>A on the plus strand (C>T on the coding strand, the complement: CFP is on the minus strand). VCF-style: chrX-47628082-G-A. GRCh37 (hg19) VCF-style: chrX-47487481-G-A.
Other names: c.403+20C>T (NM_002621.2).
Identifiers: ClinVar variation 2869429 (VCV002869429.3), dbSNP rs1383306170, ClinGen allele CA641493847.